The following is an entry in ClinVar:

ClinVar aggregate classification (germline): Uncertain significance. Review status: reviewed by expert panel (3 of 4 stars). 2 submissions from 2 submitters: Uncertain significance (1). 1 of the submissions does not count toward it. Last evaluated 2023-08-24.

Conditions:
Creatine transporter deficiency (CCDS1). Also called: Creatine Transporter (CRTR) Deficiency; Mental retardation , X-linked with seizures, short stature and midface hypoplasia; Mental retardation , X-linked, with creatine transport deficiency; X-linked creatine transporter deficiency; X-linked creatine deficiency syndrome; SLC6A8-Related Creatine Transporter Deficiency. Identifiers: Orphanet 52503, MedGen C1845862, MONDO:0010305, OMIM 300352.

Submissions (2):

ClinGen Cerebral Creatine Deficiency Syndromes Variant Curation Expert Panel, ClinGen
Classification: Uncertain significance for Creatine transporter deficiency. Last evaluated: 2023-08-24. Review status: reviewed by expert panel. Criteria: ClinGen_CCDS_ACMG_Specifications_SLC6A8_v1.1. Collection method: curation. Allele origin: germline. Inheritance: X-linked inheritance.
Comment: The NM_005629.4:c.912G>C in SLC6A8 is a missense variant predicted to cause substitution of glutamine by histidine at amino acid 304 (p.Gln304His). The variant is absent in gnomAD v2.1.1 (PM2_Supporting). The computational predictor REVEL gives a score of 0.749 (>0.75 provides evidence that correlates with impact to SLC6A8 function). The computational splicing predictors SpliceAI and varSEAK predict that the variant may disrupt the donor splice site of intron 5 (PP3). Another variant at this position, c.912G>A (p.Gln304=), which has been reported in a patient with creatine transporter deficiency and may disrupt normal splicing of SLC6A8 (PMIDs: 17101918, 23660394, 29478817) has been classified as likely pathogenic by the ClinGen CCDS VCEP. Comparison of the in silico predictions for c.912G>A (p.Gln304=) and c.912G>C (p.Gln304His) suggest that c.912G>A (p.Gln304=) is less damaging to splicing than c.912G>C (p.Gln304His) (PS1_Supporting). To our knowledge, c.912G>C (p.Gln304His) has not been reported in the literature and results of functional and splicing studies are unavailable. However, there is a ClinVar entry for this variant (Variation ID: 420991); follow up with the lab did not provide sufficient evidence to apply additional criteria. In summary, this variant meets the criteria to be classified as a variant of uncertain significance for X-linked creatine transporter deficiency. SLC6A8-specific ACMG/AMP criteria applied, as specified by the ClinGen CCDS VCEP (Specifications Version 1.1.0): PP3, PM2_Supporting, PS1_Supporting. (Classification approved by the ClinGen CCDS VCEP, Jan 12, 2023)

GeneDx
Classification: Likely pathogenic. Last evaluated: 2016-04-19. Review status: criteria provided, single submitter. Criteria: GeneDx Variant Classification (06012015). Collection method: clinical testing. Allele origin: germline. Affected: yes. Not counted in ClinVar's aggregate classification.
Comment: The Q304H variant in the SLC6A8 gene has not been reported previously as a pathogenic variant, nor as a benign variant, to our knowledge. The Q304H variant was not observed in approximately 6500 individuals of European and African American ancestry in the NHLBI Exome Sequencing Project, indicating it is not a common benign variant in these populations. The Q304H variant is a semi-conservative amino acid substitution, which may impact secondary protein structure as these residues differ in some properties. This substitution occurs at a nucleotide and amino acid position that is conserved across species, and in silico analysis predicts this variant is probably damaging to the protein structure/function. As an alternate mechanism, multiple in silico algorithms predict that c.912 G>C (aka Q304H) might damage the natural splice donor site for exon 5, which may cause abnormal gene splicing. However, in the absence of RNA/functional studies, the actual effect of c.912 G>C is unknown. Therefore, the Q304H variant is a strong candidate for a pathogenic variant, however the possibility it may be a rare benign variant cannot be excluded.

NM_005629.4(SLC6A8):c.912G>C (p.Gln304His)

Gene: SLC6A8 (solute carrier family 6 member 8; plus strand). Cytogenetic location: Xq28.
Variant type: single nucleotide variant.
Coding change: c.912G>C on transcript NM_005629.4 (MANE Select); coding-DNA position 912, G replaced by C.
Protein change: p.Gln304His; replaces glutamine 304 with histidine.
Molecular consequence: missense variant.
Genome position (GRCh38, 1-based): chrX:153,693,175, G>C. VCF-style: chrX-153693175-G-C. GRCh37 (hg19) VCF-style: chrX-152958630-G-C.
Other names: NM_005629.4(SLC6A8):c.912G>C; p.Gln304His; c.912G>C, p.Gln304His (NM_001142805.2); c.567G>C, p.Gln189His (NM_001142806.1); short protein forms Q304H, Q189H.
Identifiers: ClinVar variation 420991 (VCV000420991.3), dbSNP rs1064794836, ClinGen allele CA16621223.